The following is an entry in ClinVar:

ClinVar aggregate classification (germline): Uncertain significance. Review status: criteria provided, multiple submitters, no conflicts (2 of 4 stars). 4 submissions from 4 submitters: Uncertain significance (4). Last evaluated 2025-10-25.

Conditions:
Hereditary cancer-predisposing syndrome. Also called: Neoplastic Syndromes, Hereditary; Tumor predisposition; Hereditary neoplastic syndrome; Hereditary Cancer Syndrome. Identifiers: Orphanet 140162, MedGen C0027672, MeSH D009386, MONDO:0015356.
Hereditary nonpolyposis colorectal neoplasms. Identifiers: MedGen C0009405, MeSH D003123.

Submissions (4):

Labcorp Genetics (formerly Invitae), Labcorp
Classification: Uncertain significance for Hereditary nonpolyposis colorectal neoplasms. Last evaluated: 2025-10-25. Review status: criteria provided, single submitter. Criteria: Invitae Variant Classification Sherloc (09022015). Collection method: clinical testing. Allele origin: germline.
Comment: This sequence change replaces lysine, which is basic and polar, with glutamic acid, which is acidic and polar, at codon 1233 of the MSH6 protein (p.Lys1233Glu). This variant is not present in population databases (gnomAD no frequency). This variant has not been reported in the literature in individuals affected with MSH6-related conditions. ClinVar contains an entry for this variant (Variation ID: 824083). Invitae Evidence Modeling of protein sequence and biophysical properties (such as structural, functional, and spatial information, amino acid conservation, physicochemical variation, residue mobility, and thermodynamic stability) indicates that this missense variant is not expected to disrupt MSH6 protein function with a negative predictive value of 95%. In summary, the available evidence is currently insufficient to determine the role of this variant in disease. Therefore, it has been classified as a Variant of Uncertain Significance.

Quest Diagnostics Nichols Institute San Juan Capistrano
Classification: Uncertain significance. Last evaluated: 2025-05-20. Review status: criteria provided, single submitter. Criteria: Quest Diagnostics criteria. Collection method: clinical testing. Allele origin: unknown.
Comment: The MSH6 c.3697A>G (p.Lys1233Glu) variant has been reported in the published literature in an individual with breast cancer (PMID: 32658311 (2021)), as well as in a reportedly unaffected individual (PMID: 33471991 (2021), see also LOVD). This variant has not been reported in large, multi-ethnic general populations (Genome Aggregation Database). Analysis of this variant using bioinformatics tools for the prediction of the effect of amino acid changes on protein structure and function yielded predictions that this variant is benign. Based on the available information, we are unable to determine the clinical significance of this variant.

Ambry Genetics
Classification: Uncertain significance for Hereditary cancer-predisposing syndrome. Last evaluated: 2024-06-06. Review status: criteria provided, single submitter. Criteria: Ambry Variant Classification Scheme 2023. Collection method: clinical testing. Allele origin: germline.
Comment: The p.K1233E variant (also known as c.3697A>G), located in coding exon 8 of the MSH6 gene, results from an A to G substitution at nucleotide position 3697. The lysine at codon 1233 is replaced by glutamic acid, an amino acid with similar properties. This amino acid position is well conserved in available vertebrate species. In addition, the in silico prediction for this alteration is inconclusive. Based on the available evidence, the clinical significance of this variant remains unclear.

Color Diagnostics, LLC DBA Color Health
Classification: Uncertain significance for Hereditary cancer-predisposing syndrome. Last evaluated: 2018-10-19. Review status: criteria provided, single submitter. Criteria: ACMG Guidelines, 2015. Collection method: clinical testing. Allele origin: germline.

Literature cited by the submitters: PubMed 33471991 (cited by Quest Diagnostics Nichols Institute San Juan Capistrano); PubMed 32658311 (cited by Quest Diagnostics Nichols Institute San Juan Capistrano).

NM_000179.3(MSH6):c.3697A>G (p.Lys1233Glu)

Gene: MSH6 (mutS homolog 6; plus strand). Cytogenetic location: 2p16.3.
Variant type: single nucleotide variant.
Coding change: c.3697A>G on transcript NM_000179.3 (MANE Select); coding-DNA position 3697, A replaced by G.
Protein change: p.Lys1233Glu; replaces lysine 1233 with glutamic acid.
Molecular consequence: missense variant.
Genome position (GRCh38, 1-based): chr2:47,806,254, A>G. VCF-style: chr2-47806254-A-G. GRCh37 (hg19) VCF-style: chr2-48033393-A-G.
Other names: c.3307A>G, p.Lys1103Glu (NM_001281492.2); c.2791A>G, p.Lys931Glu (NM_001281493.2, NM_001281494.2); short protein forms K1103E, K931E, K1233E.
Identifiers: ClinVar variation 824083 (VCV000824083.14), dbSNP rs1572744617, ClinGen allele CA346760972.